The following is an entry in ClinVar:

NM_006846.4(SPINK5):c.2047G>C (p.Glu683Gln)

Gene: SPINK5 (serine peptidase inhibitor Kazal type 5; plus strand). Cytogenetic location: 5q32.
Variant type: single nucleotide variant.
Coding change: c.2047G>C on transcript NM_006846.4 (MANE Select); coding-DNA position 2047, G replaced by C.
Protein change: p.Glu683Gln; replaces glutamic acid 683 with glutamine.
Molecular consequence: missense variant.
Genome position (GRCh38, 1-based): chr5:148,116,401, G>C. VCF-style: chr5-148116401-G-C. GRCh37 (hg19) VCF-style: chr5-147495964-G-C.
Other names: c.2047G>C, p.Glu683Gln (NM_001127698.2, NM_001127699.2); short protein forms E683Q.
Identifiers: ClinVar variation 1916874 (VCV001916874.3), dbSNP rs746486936, ClinGen allele CA3495843.

ClinVar aggregate classification (germline): Uncertain significance. Review status: criteria provided, multiple submitters, no conflicts (2 of 4 stars). 2 submissions from 2 submitters: Uncertain significance (2). Last evaluated 2025-08-12.

Conditions:
Inborn genetic diseases. Identifiers: MedGen C0950123, MeSH D030342.
Netherton syndrome (NETH). Also called: NETHERTON DISEASE; COMEL-NETHERTON SYNDROME; ERYTHRODERMA, ICHTHYOSIFORM, WITH HYPOTRICHOSIS AND HYPER-IgE. Identifiers: Orphanet 634, MedGen C5574950, MONDO:0009735, OMIM 256500.

Allele frequency attached by ClinVar (database versions not stated): gnomAD exomes below 0.00001; TOPMed below 0.00001; ExAC 0.00001; gnomAD 0.00001.
gnomAD v4.1: 10 of 1,614,046 alleles (0.00062%); highest among the groups gnomAD compares: Admixed American, 0.013%; no homozygotes.

Submissions (2):

Ambry Genetics
Classification: Uncertain significance for Inborn genetic diseases. Last evaluated: 2025-08-12. Review status: criteria provided, single submitter. Criteria: Ambry Variant Classification Scheme 2023. Collection method: clinical testing. Allele origin: germline.

Labcorp Genetics (formerly Invitae), Labcorp
Classification: Uncertain significance for Ichthyosis linearis circumflexa. Last evaluated: 2022-08-10. Review status: criteria provided, single submitter. Criteria: Invitae Variant Classification Sherloc (09022015). Collection method: clinical testing. Allele origin: germline.
Comment: This sequence change replaces glutamic acid, which is acidic and polar, with glutamine, which is neutral and polar, at codon 683 of the SPINK5 protein (p.Glu683Gln). This variant is present in population databases (rs746486936, gnomAD 0.01%). This variant has not been reported in the literature in individuals affected with SPINK5-related conditions. Algorithms developed to predict the effect of missense changes on protein structure and function are either unavailable or do not agree on the potential impact of this missense change (SIFT: "Tolerated"; PolyPhen-2: "Probably Damaging"; Align-GVGD: "Class C0"). In summary, the available evidence is currently insufficient to determine the role of this variant in disease. Therefore, it has been classified as a Variant of Uncertain Significance.